The following is an entry in ClinVar:

NM_022455.5(NSD1):c.2049_2053del (p.Ile684fs)

Gene: NSD1 (nuclear receptor binding SET domain protein 1; plus strand). Cytogenetic location: 5q35.3.
Variant type: Deletion.
Coding change: c.2049_2053del on transcript NM_022455.5 (MANE Select); coding-DNA positions 2049 to 2053, 5 bases deleted (GATAA; older notation c.2049_2053delGATAA).
Protein change: p.Ile684fs; shifts the reading frame from isoleucine 684.
Molecular consequence: frameshift variant.
Genome position (GRCh38, 1-based): chr5:177,210,448-177,210,452, GATAA deleted; deleting any 5 consecutive bases within chr5:177,210,446-177,210,452 gives the same sequence; the c. name uses the placement nearest the transcript's 3' end. VCF-style (leftmost placement, unchanged base first): chr5-177210445-AAAGAT-A. GRCh37 (hg19) VCF-style: chr5-176637446-AAAGAT-A.
Other names: c.1176_1180delGATAA, p.Ile393Valfs (NM_001365684.2, NM_001409306.1, NM_001409307.1 and 3 more transcripts); c.2049_2053delGATAA, p.Ile684Valfs (NM_001409301.1, NM_001409302.1, NM_001409303.1 and 1 more transcripts); c.1629_1633delGATAA, p.Ile544Valfs (NM_001409304.1); c.1296_1300delGATAA, p.Ile433Valfs (NM_001409305.1); short protein forms I415fs, I684fs.
Identifiers: ClinVar variation 159277 (VCV000159277.17), dbSNP rs587784080, ClinGen allele CA294817.

ClinVar aggregate classification (germline): Pathogenic. Review status: criteria provided, multiple submitters, no conflicts (2 of 4 stars). 3 submissions from 3 submitters: Pathogenic (3). Last evaluated 2021-07-15.

Conditions:
Sotos syndrome (SOTOS). Also called: Distinctive facial appearance, overgrowth in childhood, and learning disabilities or delayed development; CEREBRAL GIGANTISM; Sotos' syndrome; CHROMOSOME 5q35 DELETION SYNDROME; SOTOS SYNDROME 1. Identifiers: Orphanet 821, MedGen C0175695, MONDO:0019349, OMIM 117550.

Submissions (3):

Genome-Nilou Lab
Classification: Pathogenic for Sotos syndrome. Last evaluated: 2021-07-15. Review status: criteria provided, single submitter. Criteria: ACMG Guidelines, 2015. Collection method: clinical testing. Allele origin: germline. Affected: no.

Labcorp Genetics (formerly Invitae), Labcorp
Classification: Pathogenic. Last evaluated: 2019-01-18. Review status: criteria provided, single submitter. Criteria: Invitae Variant Classification Sherloc (09022015). Collection method: clinical testing. Allele origin: germline.
Comment: For these reasons, this variant has been classified as Pathogenic. Loss-of-function variants in NSD1 are known to be pathogenic (PMID: 12464997, 14571271, 15942875, 16247291). This variant has been observed to be de novo in an individual affected with overgrowth syndrome (PMID: 28475857). ClinVar contains an entry for this variant (Variation ID: 159277). This variant is not present in population databases (ExAC no frequency). This sequence change creates a premature translational stop signal (p.Ile684Valfs*3) in the NSD1 gene. It is expected to result in an absent or disrupted protein product.

Genetic Services Laboratory, University of Chicago
Classification: Pathogenic for Sotos syndrome 1. Last evaluated: 2013-02-08. Review status: criteria provided, single submitter. Criteria: ACMG Guidelines, 2007. Collection method: clinical testing. Allele origin: germline. Inheritance: Autosomal dominant inheritance. Affected: yes.

Literature cited by the submitters: PubMed 12464997 (cited by Labcorp Genetics (formerly Invitae), Labcorp); PubMed 14571271 (cited by Labcorp Genetics (formerly Invitae), Labcorp); PubMed 15942875 (cited by Labcorp Genetics (formerly Invitae), Labcorp); PubMed 16247291 (cited by Labcorp Genetics (formerly Invitae), Labcorp); PubMed 28475857 (cited by Labcorp Genetics (formerly Invitae), Labcorp).